The following is an entry in ClinVar:

NM_000489.6(ATRX):c.6796T>G (p.Leu2266Val)

Gene: ATRX (ATRX chromatin remodeler; minus strand). Cytogenetic location: Xq21.1.
Variant type: single nucleotide variant.
Coding change: c.6796T>G on transcript NM_000489.6 (MANE Select); coding-DNA position 6796, T replaced by G.
Protein change: p.Leu2266Val; replaces leucine 2266 with valine.
Molecular consequence: missense variant.
Genome position (GRCh38, 1-based): chrX:77,523,305, A>C on the plus strand (T>G on the coding strand, the complement: ATRX is on the minus strand). VCF-style: chrX-77523305-A-C. GRCh37 (hg19) VCF-style: chrX-76778783-A-C.
Other names: c.6682T>G, p.Leu2228Val (NM_138270.5); short protein forms L2228V, L2266V.
Identifiers: ClinVar variation 4530218 (VCV004530218.1).

ClinVar aggregate classification (somatic clinical impact): Tier II - Potential (1 of 4 stars; one submission).

Conditions:
Diffuse midline glioma, H3 K27M-mutant. Identifiers: MedGen C4289688, MONDO:0957196.

Submission:

Institute for Genomic Medicine (IGM) Clinical Laboratory, Nationwide Children's Hospital
Classification: Tier II - Potential for Diffuse midline glioma, H3 K27M-mutant. Assertion type: diagnostic. Clinical significance: supports diagnosis. Last evaluated: 2023-08-17. Review status: criteria provided, single submitter. Criteria: AMP/ASCO/CAP Guidelines, 2017. Collection method: clinical testing. Allele origin: somatic. Affected: yes.
Comment: Variant has Tier II (potential) clinical significance as a diagnostic inclusion criterion in diffuse midline glioma, H3 K27M-mutant, based on the following evidence: 1) Appears in one or more well-established professional guidelines (e.g., World Health Organization [WHO]; National Comprehensive Cancer Network [NCCN]) as providing diagnostic, prognostic, or therapeutic information. 2) Diagnostic significance based on multiple small studies (Evidence Level C; PMIDs: 24705251, 28966033, 22661320, 25230881, 26517431, 29889582).

Literature cited by the submitters: PubMed 24705251; PubMed 28966033; PubMed 22661320; PubMed 25230881; PubMed 26517431; PubMed 29889582.